The following is an entry in ClinVar:

ClinVar aggregate classification (germline): Likely pathogenic. Review status: criteria provided, multiple submitters, no conflicts (2 of 4 stars). 2 submissions from 2 submitters: Likely pathogenic (2). Last evaluated 2026-08-01.

Conditions:
Autosomal recessive Alport syndrome (ATS2). Also called: Alport syndrome type 2; ALPORT SYNDROME 2, AUTOSOMAL RECESSIVE; COL4A3-Related Nephropathy; COL4A4 Alport Syndrome and Thin Basement Membrane Nephropathy. Identifiers: Orphanet 63, Orphanet 88919, MedGen C4746745, MONDO:0008762, OMIM 203780.

Submissions (2):

CeGaT Center for Human Genetics Tuebingen
Classification: Likely pathogenic. Last evaluated: 2026-08-01. Review status: criteria provided, single submitter. Criteria: CeGaT Center For Human Genetics Tuebingen Variant Classification Criteria Version 2. Collection method: clinical testing. Allele origin: germline. Affected: yes. Observed: 1 variant allele.
Comment: COL4A3: PM1:Strong, PM2

Eurofins-Biomnis
Classification: Likely pathogenic for Autosomal recessive Alport syndrome. Last evaluated: 2022-11-01. Review status: criteria provided, single submitter. Criteria: Accession Criteria ClinVar Biomnis. Collection method: clinical testing. Allele origin: germline. Affected: yes. Observed: 1 heterozygote.

NM_000091.5(COL4A3):c.2480G>A (p.Gly827Glu)

Genes: COL4A3 (collagen type IV alpha 3 chain; plus strand), MFF-DT (MFF divergent transcript; minus strand). Cytogenetic location: 2q36.3.
Variant type: single nucleotide variant.
Coding change: c.2480G>A on transcript NM_000091.5 (MANE Select); coding-DNA position 2480, G replaced by A.
Protein change: p.Gly827Glu; replaces glycine 827 with glutamic acid.
Molecular consequence: missense variant.
Genome position (GRCh38, 1-based): chr2:227,280,998, G>A. VCF-style: chr2-227280998-G-A. GRCh37 (hg19) VCF-style: chr2-228145714-G-A.
Other names: short protein forms G827E.
Identifiers: ClinVar variation 2506490 (VCV002506490.2), dbSNP rs2469759941, ClinGen allele CA350849713.